The following is an entry in ClinVar:

NM_006302.3(MOGS):c.881C>T (p.Pro294Leu)

Gene: MOGS (mannosyl-oligosaccharide glucosidase; minus strand). Cytogenetic location: 2p13.1.
Variant type: single nucleotide variant.
Coding change: c.881C>T on transcript NM_006302.3 (MANE Select); coding-DNA position 881, C replaced by T.
Protein change: p.Pro294Leu; replaces proline 294 with leucine.
Molecular consequence: missense variant.
Genome position (GRCh38, 1-based): chr2:74,462,908, G>A on the plus strand (C>T on the coding strand, the complement: MOGS is on the minus strand). VCF-style: chr2-74462908-G-A. GRCh37 (hg19) VCF-style: chr2-74690035-G-A.
Other names: c.563C>T, p.Pro188Leu (NM_001146158.2); c.881C>T, p.Pro294Leu (LRG_1226t1); short protein forms P294L, P188L.
Identifiers: ClinVar variation 235622 (VCV000235622.19), dbSNP rs184209905, ClinGen allele CA1724894.

ClinVar aggregate classification (germline): Benign/Likely benign. Review status: criteria provided, multiple submitters, no conflicts (2 of 4 stars). 7 submissions from 7 submitters: Benign (1); Likely benign (6). Last evaluated 2026-05-01.

Conditions:
MOGS-congenital disorder of glycosylation. Also called: CDG 2B; MOGS-CDG; CDG IIb; GLUCOSIDASE I DEFICIENCY. Identifiers: Orphanet 79330, MedGen C1853736, MONDO:0011629, OMIM 606056.

Allele frequency attached by ClinVar (database versions not stated): gnomAD exomes 0.00031 and 0.00067; ExAC 0.00088; ESP Exome Variant Server 0.00238; gnomAD 0.00295 and 0.00318; 1000 Genomes Project 0.00319; 1000 Genomes Project 30x 0.00344; TOPMed 0.00364.
gnomAD v4.1: 933 of 1,613,892 alleles (0.058%); highest among the groups gnomAD compares: African/African-American, 1.1%; 7 homozygotes.

Submissions (7):

CeGaT Center for Human Genetics Tuebingen
Classification: Likely benign. Last evaluated: 2026-05-01. Review status: criteria provided, single submitter. Criteria: CeGaT Center For Human Genetics Tuebingen Variant Classification Criteria Version 2. Collection method: clinical testing. Allele origin: germline. Affected: yes. Observed: 1 variant allele.
Comment: MOGS: BS1

Women's Health and Genetics/Laboratory Corporation of America, LabCorp
Classification: Likely benign. Last evaluated: 2026-02-11. Review status: criteria provided, single submitter. Criteria: LabCorp Variant Classification Summary - May 2015. Collection method: clinical testing. Allele origin: germline.
Comment: Variant summary: MOGS c.881C>T (p.Pro294Leu) results in a non-conservative amino acid change in the encoded protein sequence. Algorithms developed to predict the effect of missense changes on protein structure and function are either unavailable or do not agree on the potential impact of this missense change. The variant allele was found at a frequency of 0.00067 in 249036 control chromosomes, predominantly at a frequency of 0.0098 within the African or African-American subpopulation in the gnomAD database, including 1 homozygote. The observed variant frequency within African or African-American control individuals in the gnomAD database exceeds the estimated maximal expected allele frequency for disease-causing variants in MOGS. To our knowledge, no occurrence of c.881C>T in individuals affected with MOGS-related conditions and no experimental evidence demonstrating its impact on protein function have been reported. ClinVar contains an entry for this variant (Variation ID: 235622). Based on the evidence outlined above, the variant was classified as likely benign.

Labcorp Genetics (formerly Invitae), Labcorp
Classification: Benign for MOGS-congenital disorder of glycosylation. Last evaluated: 2026-01-19. Review status: criteria provided, single submitter. Criteria: Invitae Variant Classification Sherloc (09022015). Collection method: clinical testing. Allele origin: germline.

Blueprint Genetics
Classification: Likely benign. Last evaluated: 2024-11-13. Review status: criteria provided, single submitter. Criteria: ACMG Guidelines, 2015. Collection method: clinical testing. Allele origin: germline.

Center for Pediatric Genomic Medicine, Children's Mercy Hospital and Clinics
Classification: Likely benign. Last evaluated: 2017-08-29. Review status: criteria provided, single submitter. Criteria: ACMG Guidelines, 2015. Collection method: clinical testing. Allele origin: germline.

GeneDx
Classification: Likely benign. Last evaluated: 2016-12-09. Review status: criteria provided, single submitter. Criteria: GeneDx Variant Classification (06012015). Collection method: clinical testing. Allele origin: germline. Affected: yes.
Comment: This variant is considered likely benign or benign based on one or more of the following criteria: it is a conservative change, it occurs at a poorly conserved position in the protein, it is predicted to be benign by multiple in silico algorithms, and/or has population frequency not consistent with disease.

Breakthrough Genomics
Classification: Likely benign. Review status: criteria provided, single submitter. Criteria: ACMG Guidelines, 2015. Collection method: not provided. Allele origin: germline. Inheritance: Autosomal recessive inheritance. Affected: yes.